The following is an entry in ClinVar:

ClinVar aggregate classification (germline): Uncertain significance. Review status: criteria provided, multiple submitters, no conflicts (2 of 4 stars). 2 submissions from 2 submitters: Uncertain significance (2). Last evaluated 2025-01-02.

Conditions:
Hereditary cancer-predisposing syndrome. Also called: Neoplastic Syndromes, Hereditary; Tumor predisposition; Hereditary Cancer Syndrome; Hereditary neoplastic syndrome. Identifiers: Orphanet 140162, MedGen C0027672, MeSH D009386, MONDO:0015356.
Parathyroid carcinoma (PRTC). Also called: CDC73-Related Parathyroid Carcinoma; Parathyroid gland carcinoma. Identifiers: Orphanet 143, MedGen C0687150, MONDO:0012004, OMIM 608266, HP:0006780.

Allele frequency attached by ClinVar (database versions not stated): gnomAD exomes below 0.00001 and 0.00001; TOPMed below 0.00001.
gnomAD v4.1: 4 of 1,613,388 alleles (0.00025%); highest among the groups gnomAD compares: Admixed American, 0.0033%; no homozygotes.

Submissions (2):

Labcorp Genetics (formerly Invitae), Labcorp
Classification: Uncertain significance for Parathyroid carcinoma. Last evaluated: 2025-01-02. Review status: criteria provided, single submitter. Criteria: Invitae Variant Classification Sherloc (09022015). Collection method: clinical testing. Allele origin: germline.
Comment: This sequence change replaces isoleucine, which is neutral and non-polar, with valine, which is neutral and non-polar, at codon 286 of the CDC73 protein (p.Ile286Val). This variant is present in population databases (no rsID available, gnomAD 0.003%). This variant has not been reported in the literature in individuals affected with CDC73-related conditions. ClinVar contains an entry for this variant (Variation ID: 1026418). Invitae Evidence Modeling of protein sequence and biophysical properties (such as structural, functional, and spatial information, amino acid conservation, physicochemical variation, residue mobility, and thermodynamic stability) indicates that this missense variant is not expected to disrupt CDC73 protein function with a negative predictive value of 80%. In summary, the available evidence is currently insufficient to determine the role of this variant in disease. Therefore, it has been classified as a Variant of Uncertain Significance.

Ambry Genetics
Classification: Uncertain significance for Hereditary cancer-predisposing syndrome. Last evaluated: 2023-08-30. Review status: criteria provided, single submitter. Criteria: Ambry Variant Classification Scheme 2023. Collection method: clinical testing. Allele origin: germline.
Comment: The p.I286V variant (also known as c.856A>G), located in coding exon 9 of the CDC73 gene, results from an A to G substitution at nucleotide position 856. The isoleucine at codon 286 is replaced by valine, an amino acid with highly similar properties. This amino acid position is conserved. In addition, this alteration is predicted to be tolerated by in silico analysis. Since supporting evidence is limited at this time, the clinical significance of this alteration remains unclear.

NM_024529.5(CDC73):c.856A>G (p.Ile286Val)

Gene: CDC73 (cell division cycle 73; plus strand). Cytogenetic location: 1q31.2.
Variant type: single nucleotide variant.
Coding change: c.856A>G on transcript NM_024529.5 (MANE Select); coding-DNA position 856, A replaced by G.
Protein change: p.Ile286Val; replaces isoleucine 286 with valine.
Molecular consequence: missense variant.
Genome position (GRCh38, 1-based): chr1:193,150,331, A>G. VCF-style: chr1-193150331-A-G. GRCh37 (hg19) VCF-style: chr1-193119461-A-G.
Other names: c.856A>G (NM_024529.4); short protein forms I286V.
Identifiers: ClinVar variation 1026418 (VCV001026418.9), dbSNP rs1362923384, ClinGen allele CA343964979.
Genomic context (GRCh38, chr1:193,150,331, plus strand): 5'-TTAACAAGTAACTCATAATTAATTTTTTTACAGGATCCCACTTTGCGCACCAAACAGCCT[A>G]TCCCAGCTGCCTATAACAGATACGATCAGGAAAGATTCAAAGGAAAAGAAGGCAAGTTGC-3'
Protein context (NP_078805.3, residues 276-296): VDPTLRTKQP[Ile286Val]PAAYNRYDQE